The following is an entry in ClinVar:

NM_025103.4(IFT74):c.40T>G (p.Ser14Ala)

Gene: IFT74 (intraflagellar transport 74; plus strand). Cytogenetic location: 9p21.2.
Variant type: single nucleotide variant.
Coding change: c.40T>G on transcript NM_025103.4 (MANE Select); coding-DNA position 40, T replaced by G.
Protein change: p.Ser14Ala; replaces serine 14 with alanine.
Molecular consequence: missense variant.
Genome position (GRCh38, 1-based): chr9:26,962,007, T>G. VCF-style: chr9-26962007-T-G. GRCh37 (hg19) VCF-style: chr9-26962005-T-G.
Other names: c.40T>G (NM_025103.2); c.40T>G, p.Ser14Ala (NM_001099222.3, NM_001099223.3, NM_001099224.3 and 1 more transcripts); short protein forms S14A.
Identifiers: ClinVar variation 1927101 (VCV001927101.4), dbSNP rs747308436, ClinGen allele CA5014790.
Genomic context (GRCh38, chr9:26,962,007, plus strand): 5'-AGCGATTAAAGTGAAGAAACAATGGCCAGCAATCACAAATCTTCAGCAGCTCGCCCTGTT[T>G]CAAGAGGTGGAGTTGGGTTAACAGGAAGGCCTCCTTCTGGGATACGACCCCTATCAGGAA-3'
Protein context (NP_079379.2, residues 4-24): NHKSSAARPV[Ser14Ala]RGGVGLTGRP

ClinVar aggregate classification (germline): Uncertain significance. Review status: criteria provided, multiple submitters, no conflicts (2 of 4 stars). 2 submissions from 2 submitters: Uncertain significance (2). Last evaluated 2026-04-02.

Conditions:
IFT74-related disorder. Also called: IFT74-related condition; IFT74-Related Disorders.

Allele frequency attached by ClinVar (database versions not stated): TOPMed 0.00001; ExAC 0.00003.
gnomAD v4.1: 8 of 1,614,162 alleles (0.0005%); highest among the groups gnomAD compares: Admixed American, 0.013%; no homozygotes.

Submissions (2):

PreventionGenetics, part of Exact Sciences
Classification: Uncertain significance for IFT74-related condition. Last evaluated: 2026-04-02. Review status: criteria provided, single submitter. Criteria: ACMG Guidelines, 2015. Collection method: clinical testing. Allele origin: germline.
Comment: The IFT74 c.40T>G variant is predicted to result in the amino acid substitution p.Ser14Ala. To our knowledge, this variant has not been reported in the literature. This variant is reported in 0.020% of alleles in individuals of Latino descent in gnomAD. At this time, the clinical significance of this variant is uncertain due to the absence of conclusive functional and genetic evidence.

Labcorp Genetics (formerly Invitae), Labcorp
Classification: Uncertain significance. Last evaluated: 2022-03-17. Review status: criteria provided, single submitter. Criteria: Invitae Variant Classification Sherloc (09022015). Collection method: clinical testing. Allele origin: germline.
Comment: In summary, the available evidence is currently insufficient to determine the role of this variant in disease. Therefore, it has been classified as a Variant of Uncertain Significance. Algorithms developed to predict the effect of missense changes on protein structure and function are either unavailable or do not agree on the potential impact of this missense change (SIFT: "Deleterious"; PolyPhen-2: "Benign"; Align-GVGD: "Class C0"). This variant has not been reported in the literature in individuals affected with IFT74-related conditions. This variant is present in population databases (rs747308436, gnomAD 0.02%). This sequence change replaces serine, which is neutral and polar, with alanine, which is neutral and non-polar, at codon 14 of the IFT74 protein (p.Ser14Ala).